The following is an entry in ClinVar:

NM_000218.3(KCNQ1):c.998_999del (p.Ser333fs)

Gene: KCNQ1 (potassium voltage-gated channel subfamily Q member 1; plus strand). Cytogenetic location: 11p15.5.
Variant type: Microsatellite.
Coding change: c.998_999del on transcript NM_000218.3 (MANE Select); coding-DNA positions 998 to 999, 2 bases deleted (CT; older notation c.998_999delCT).
Protein change: p.Ser333fs; shifts the reading frame from serine 333.
Molecular consequence: frameshift variant.
Genome position (GRCh38, 1-based): chr11:2,583,511-2,583,512, CT deleted; deleting any 2 consecutive bases within chr11:2,583,508-2,583,512 gives the same sequence; the c. name uses the placement nearest the transcript's 3' end. VCF-style (leftmost placement, unchanged base first): chr11-2583507-TTC-T. GRCh37 (hg19) VCF-style: chr11-2604737-TTC-T.
Other names: c.998_999delCT (NM_000218.2); c.998_999del (NM_000218.2); c.996_997CT[1], p.Ser333Cysfs (NM_000218.2, NM_001406836.1); c.726_727CT[1], p.Ser243Cysfs (NM_001406837.1); c.552_553CT[1], p.Ser185Cysfs (NM_001406838.1); c.615_616CT[1], p.Ser206Cysfs (NM_181798.2); short protein forms S206fs, S333fs.
Identifiers: ClinVar variation 53153 (VCV000053153.38), dbSNP rs397508134, ClinGen allele CA008983.

ClinVar aggregate classification (germline): Pathogenic/Likely pathogenic. Review status: criteria provided, multiple submitters, no conflicts (2 of 4 stars). 6 submissions from 6 submitters: Pathogenic (5); Likely pathogenic (1). Last evaluated 2024-09-06.

Conditions:
KCNQ1-related disorder. Also called: KCNQ1-related condition; KCNQ1-related disorders. Identifiers: MedGen CN239322.
Cardiovascular phenotype. Identifiers: MedGen CN230736.
Long QT syndrome 1 (LQT1). Identifiers: Orphanet 101016, Orphanet 768, MedGen C4551647, MONDO:0100316, OMIM 192500, MONDO:0008646.
Jervell and Lange-Nielsen syndrome 1 (JLNS1). Also called: CARDIOAUDITORY SYNDROME OF JERVELL AND LANGE-NIELSEN; DEAFNESS, CONGENITAL, AND FUNCTIONAL HEART DISEASE; PROLONGED QT INTERVAL IN EKG AND SUDDEN DEATH; SURDO-CARDIAC SYNDROME. Identifiers: Orphanet 768, Orphanet 90647, MedGen C4551509, MONDO:0024540, OMIM 220400.
Atrial fibrillation, familial, 3 (ATFB3). Identifiers: MedGen C1837014, MONDO:0011857, OMIM 607554.
Beckwith-Wiedemann syndrome (BWS). Also called: EMG SYNDROME; Exomphalos macroglossia gigantism syndrome. Identifiers: Orphanet 116, MedGen C0004903, MONDO:0007534, OMIM 130650.
Short QT syndrome type 2. Identifiers: Orphanet 51083, MedGen C1865019, MONDO:0012313, OMIM 609621.
Long QT syndrome (LQTS). Identifiers: MedGen C0023976, MeSH D008133, MONDO:0002442. Disease mechanism: loss of function. Inheritance: Various modes of inheritance.

Submissions (6):

Labcorp Genetics (formerly Invitae), Labcorp
Classification: Pathogenic for Long QT syndrome. Last evaluated: 2024-09-06. Review status: criteria provided, single submitter. Criteria: Invitae Variant Classification Sherloc (09022015). Collection method: clinical testing. Allele origin: germline.
Comment: This sequence change creates a premature translational stop signal (p.Ser333Cysfs*129) in the KCNQ1 gene. It is expected to result in an absent or disrupted protein product. Loss-of-function variants in KCNQ1 are known to be pathogenic (PMID: 9323054, 19862833). This variant is not present in population databases (gnomAD no frequency). This premature translational stop signal has been observed in individual(s) with KCNQ1-related conditions (PMID: 17905336, 28438721). ClinVar contains an entry for this variant (Variation ID: 53153). For these reasons, this variant has been classified as Pathogenic.

CeGaT Center for Human Genetics Tuebingen
Classification: Pathogenic. Last evaluated: 2024-05-01. Review status: criteria provided, single submitter. Criteria: CeGaT Center For Human Genetics Tuebingen Variant Classification Criteria Version 2. Collection method: clinical testing. Allele origin: germline. Affected: yes. Observed: 1 variant allele.
Comment: KCNQ1: PVS1, PM2, PS4:Supporting

Daryl Scott Lab, Baylor College of Medicine
Classification: Pathogenic for KCNQ1-related disorder. Last evaluated: 2024-01-01. Review status: criteria provided, single submitter. Criteria: ACMG Guidelines, 2015. Collection method: clinical testing. Allele origin: unknown. Affected: yes. Observed: 1 heterozygote.
Comment: PVS1, PS4, PM2

Ambry Genetics
Classification: Pathogenic for Cardiovascular phenotype. Last evaluated: 2023-06-01. Review status: criteria provided, single submitter. Criteria: Ambry Variant Classification Scheme 2023. Collection method: clinical testing. Allele origin: germline.
Comment: The c.998_999delCT pathogenic mutation, located in coding exon 7 of the KCNQ1 gene, results from a deletion of two nucleotides at nucleotide positions 998 to 999, causing a translational frameshift with a predicted alternate stop codon (p.S333Cfs*129). This variant (also referred to as S333fs128X), has been reported in the heterozygous state in association with Long QT syndrome, and in the homozygous state in association with Jervell and Lange-Nielsen syndrome (Chung SK et al. Heart Rhythm, 2007 Oct;4:1306-14; Albertella L et al. Arch Dis Child, 2011 Aug;96:704-7; Walsh R et al. Genet Med, 2021 Jan;23:47-58). This variant is considered to be rare based on population cohorts in the Genome Aggregation Database (gnomAD). In addition to the clinical data presented in the literature, this alteration is expected to result in loss of function by premature protein truncation or nonsense-mediated mRNA decay. As such, this alteration is interpreted as a disease-causing mutation.

GeneDx
Classification: Pathogenic. Last evaluated: 2022-12-27. Review status: criteria provided, single submitter. Criteria: GeneDx Variant Classification Process June 2021. Collection method: clinical testing. Allele origin: germline. Affected: yes.
Comment: Frameshift variant predicted to result in protein truncation or nonsense mediated decay in a gene for which loss-of-function is a known mechanism of disease; Not observed at significant frequency in large population cohorts (gnomAD); This variant is associated with the following publications: (PMID: 17905336, 28438721)

Fulgent Genetics
Classification: Likely pathogenic for Beckwith-Wiedemann syndrome; Long QT syndrome 1; Jervell and Lange-Nielsen syndrome 1; Atrial fibrillation, familial, 3; Short QT syndrome type 2. Last evaluated: 2021-08-16. Review status: criteria provided, single submitter. Criteria: ACMG Guidelines, 2015. Collection method: clinical testing. Allele origin: unknown.

Literature cited by the submitters: PubMed 9323054 (cited by Labcorp Genetics (formerly Invitae), Labcorp); PubMed 19862833 (cited by Labcorp Genetics (formerly Invitae), Labcorp); PubMed 17905336 (cited by Labcorp Genetics (formerly Invitae), Labcorp and Ambry Genetics); PubMed 28438721 (cited by Labcorp Genetics (formerly Invitae), Labcorp and Ambry Genetics); PubMed 21131640 (cited by Ambry Genetics); PubMed 32893267 (cited by Ambry Genetics).